The following is an entry in ClinVar:

NM_025074.7(FRAS1):c.4365G>C (p.Ala1455=)

Gene: FRAS1 (Fraser extracellular matrix complex subunit 1; plus strand). Cytogenetic location: 4q21.21.
Variant type: single nucleotide variant.
Coding change: c.4365G>C on transcript NM_025074.7 (MANE Select); coding-DNA position 4365, G replaced by C.
Protein change: p.Ala1455=; no amino-acid change (alanine 1455 retained).
Molecular consequence: synonymous variant.
Genome position (GRCh38, 1-based): chr4:78,413,025, G>C. VCF-style: chr4-78413025-G-C. GRCh37 (hg19) VCF-style: chr4-79334179-G-C.
Other names: c.4365G>C, p.Ala1455= (NM_001166133.2); c.4365G>C (NM_025074.6).
Identifiers: ClinVar variation 289286 (VCV000289286.14), dbSNP rs375417798, ClinGen allele CA2977174.
Genomic context (GRCh38, chr4:78,413,025, plus strand): 5'-TCAGGTGTCCAGTGCCTCCAATGCCCAGACCCGCCTGGAGAGCCACATGTTCAACATCGC[G>C]ATCTTACCACAGACACCTGAAGCACCTAAAGTGTCTCTGGAAGCATCTCTCCATATGACT-3'
Protein context (NP_079350.5, residues 1445-1465): TRLESHMFNI[Ala1455=]ILPQTPEAPK

ClinVar aggregate classification (germline): Conflicting classifications of pathogenicity. Review status: criteria provided, conflicting classifications (1 of 4 stars). 3 submissions from 3 submitters: Uncertain significance (1); Likely benign (1). 1 of the submissions does not count toward it. Last evaluated 2026-01-20.

Conditions:
FRAS1-related disorder. Also called: FRAS1-related condition.

Allele frequency attached by ClinVar (database versions not stated): 1000 Genomes Project 30x 0.00016; TOPMed 0.00017; ESP Exome Variant Server 0.00032.
gnomAD v4.1: 70 of 1,610,516 alleles (0.0043%); highest among the groups gnomAD compares: African/African-American, 0.064%; no homozygotes.

Submissions (3):

Labcorp Genetics (formerly Invitae), Labcorp
Classification: Likely benign. Last evaluated: 2026-01-20. Review status: criteria provided, single submitter. Criteria: Invitae Variant Classification Sherloc (09022015). Collection method: clinical testing. Allele origin: germline.

Eurofins Ntd Llc (ga)
Classification: Uncertain significance. Last evaluated: 2016-08-11. Review status: criteria provided, single submitter. Criteria: EGL Classification Definitions 2015. Collection method: clinical testing. Allele origin: germline. Observed: 1 variant allele, 1 heterozygote.

PreventionGenetics, part of Exact Sciences
Classification: Likely benign for FRAS1-related condition. Last evaluated: 2019-10-14. Review status: no assertion criteria provided. Collection method: clinical testing. Allele origin: germline. Not counted in ClinVar's aggregate classification.
Comment: This variant is classified as likely benign based on ACMG/AMP sequence variant interpretation guidelines (Richards et al. 2015 PMID: 25741868, with internal and published modifications).